The following is an entry in ClinVar:

ClinVar aggregate classification (germline): Pathogenic/Likely pathogenic. Review status: criteria provided, multiple submitters, no conflicts (2 of 4 stars). 4 submissions from 4 submitters: Pathogenic (2); Likely pathogenic (1). 1 of the submissions does not count toward it. Last evaluated 2025-11-09.

Conditions:
Tuberous sclerosis syndrome (TSC). Also called: Tuberous Sclerosis Complex; Tuberous sclerosis. Identifiers: Orphanet 805, MedGen C0041341, MONDO:0001734.
Tuberous sclerosis 1 (TSC1). Identifiers: Orphanet 805, MedGen C1854465, MONDO:0008612, OMIM 191100.

Submissions (4):

Labcorp Genetics (formerly Invitae), Labcorp
Classification: Pathogenic for Tuberous sclerosis 1. Last evaluated: 2025-11-09. Review status: criteria provided, single submitter. Criteria: Invitae Variant Classification Sherloc (09022015). Collection method: clinical testing. Allele origin: germline.
Comment: This sequence change affects a donor splice site in intron 15 of the TSC1 gene. It is expected to disrupt RNA splicing. Variants that disrupt the donor or acceptor splice site typically lead to a loss of protein function (PMID: 16199547), and loss-of-function variants in TSC1 are known to be pathogenic (PMID: 10227394, 17304050). This variant is not present in population databases (gnomAD no frequency). Disruption of this splice site has been observed in individual(s) with tuberous sclerosis complex (PMID: 20633017, 21520333). ClinVar contains an entry for this variant (Variation ID: 48863). Algorithms developed to predict the effect of sequence changes on RNA splicing suggest that this variant may disrupt the consensus splice site. For these reasons, this variant has been classified as Pathogenic.

Myriad Genetics, Inc.
Classification: Likely pathogenic for Tuberous sclerosis 1. Last evaluated: 2024-06-03. Review status: criteria provided, single submitter. Criteria: Myriad Autosomal Dominant, Autosomal Recessive and X-Linked Classification Criteria (2023). Collection method: clinical testing. Allele origin: unknown.
Comment: This variant is considered likely pathogenic. This variant occurs within a consensus splice junction and is predicted to result in abnormal mRNA splicing of either an out-of-frame exon or an in-frame exon necessary for protein stability and/or normal function.

GeneDx
Classification: Pathogenic. Last evaluated: 2017-01-30. Review status: criteria provided, single submitter. Criteria: GeneDx Variant Classification (06012015). Collection method: clinical testing. Allele origin: germline. Affected: yes.
Comment: The c.1997+1 G>A splice site variant in the TSC1 gene has been reported multiple times previously in association with tuberous sclerosis complex (TSC) (Au et al., 2007; TSC1 LOVD). This pathogenic variant destroys the canonical donor site in intron 15. It is predicted to cause abnormal gene splicing, either leading to an abnormal message that is subject to nonsense-mediated mRNA decay, or to an abnormal protein product if the message is used for protein translation.

Tuberous sclerosis database (TSC1)
No classification provided. Condition: TSC. Review status: no classification provided. Criteria: Tuberous Sclerosis Database Assertion Criteria 2015. Collection method: curation. Allele origin: germline. Affected: yes. Not counted in ClinVar's aggregate classification.

Literature cited by the submitters: PubMed 16199547 (cited by Labcorp Genetics (formerly Invitae), Labcorp); PubMed 10227394 (cited by Labcorp Genetics (formerly Invitae), Labcorp); PubMed 17304050 (cited by Labcorp Genetics (formerly Invitae), Labcorp); PubMed 20633017 (cited by Labcorp Genetics (formerly Invitae), Labcorp); PubMed 21520333 (cited by Labcorp Genetics (formerly Invitae), Labcorp).

NM_000368.5(TSC1):c.1997+1G>A

Gene: TSC1 (TSC complex subunit 1; minus strand). Cytogenetic location: 9q34.13.
Variant type: single nucleotide variant.
Coding change: c.1997+1G>A on transcript NM_000368.5 (MANE Select); the canonical splice donor site of the intron after coding-DNA position 1997, G replaced by A.
Molecular consequence: splice donor variant.
Genome position (GRCh38, 1-based): chr9:132,905,580, C>T on the plus strand (G>A on the coding strand, the complement: TSC1 is on the minus strand). VCF-style: chr9-132905580-C-T. GRCh37 (hg19) VCF-style: chr9-135780967-C-T.
Other names: c.1631+1G>A (NM_001406620.1, NM_001406625.1, NM_001406621.1 and 2 more transcripts); c.1634+1G>A (NM_001406618.1, NM_001406617.1, NM_001406619.1 and 5 more transcripts); c.1841+1G>A (NM_001406613.1, NM_001406612.1, NM_001406611.1); c.1844+1G>A (NM_001406610.1, NM_001162427.2); c.1043+1G>A (NM_001406627.1, NM_001406628.1); c.944+1G>A (NM_001406629.1, NM_001406630.1); c.1994+1G>A (NM_001406603.1, NM_001406609.1, NM_001406597.1 and 6 more transcripts); c.1997+1G>A (NM_001406602.1, NM_001406606.1, NM_001406592.1 and 7 more transcripts); and 1 more.
Identifiers: ClinVar variation 48863 (VCV000048863.9), dbSNP rs118203610, ClinGen allele CA005710.